The following is an entry in ClinVar:

ClinVar aggregate classification (germline): Uncertain significance. Review status: criteria provided, multiple submitters, no conflicts (2 of 4 stars). 2 submissions from 2 submitters: Uncertain significance (2). Last evaluated 2023-02-14.

Conditions:
Congenital muscular dystrophy due to integrin alpha-7 deficiency. Also called: MYOPATHY, CONGENITAL, DUE TO INTEGRIN ALPHA-7 DEFICIENCY; Congenital muscular dystrophy with integrin alpha-7 deficiency; Muscular dystrophy, congenital, due to ITGA7 deficiency. Identifiers: Orphanet 34520, MedGen C2750786, MONDO:0013177, OMIM 613204.

Allele frequency attached by ClinVar (database versions not stated): gnomAD exomes below 0.00001.
gnomAD v4.1: 2 of 1,614,130 alleles (0.00012%); highest among the groups gnomAD compares: Admixed American, 0.0033%; no homozygotes.

Submissions (2):

Ambry Genetics
Classification: Uncertain significance. Last evaluated: 2023-02-14. Review status: criteria provided, single submitter. Criteria: Ambry Variant Classification Scheme 2023. Collection method: clinical testing. Allele origin: germline.

Labcorp Genetics (formerly Invitae), Labcorp
Classification: Uncertain significance for Congenital muscular dystrophy due to integrin alpha-7 deficiency. Last evaluated: 2022-05-25. Review status: criteria provided, single submitter. Criteria: Invitae Variant Classification Sherloc (09022015). Collection method: clinical testing. Allele origin: germline.
Comment: In summary, the available evidence is currently insufficient to determine the role of this variant in disease. Therefore, it has been classified as a Variant of Uncertain Significance. Algorithms developed to predict the effect of missense changes on protein structure and function are either unavailable or do not agree on the potential impact of this missense change (SIFT: "Deleterious"; PolyPhen-2: "Possibly Damaging"; Align-GVGD: "Class C0"). This variant has not been reported in the literature in individuals affected with ITGA7-related conditions. This variant is present in population databases (no rsID available, gnomAD 0.003%). This sequence change replaces isoleucine, which is neutral and non-polar, with phenylalanine, which is neutral and non-polar, at codon 488 of the ITGA7 protein (p.Ile488Phe).

NM_002206.3(ITGA7):c.1462A>T (p.Ile488Phe)

Gene: ITGA7 (integrin subunit alpha 7; minus strand). Cytogenetic location: 12q13.2.
Variant type: single nucleotide variant.
Coding change: c.1462A>T on transcript NM_002206.3 (MANE Select); coding-DNA position 1462, A replaced by T.
Protein change: p.Ile488Phe; replaces isoleucine 488 with phenylalanine.
Molecular consequence: missense variant.
Genome position (GRCh38, 1-based): chr12:55,697,494, T>A on the plus strand (A>T on the coding strand, the complement: ITGA7 is on the minus strand). VCF-style: chr12-55697494-T-A. GRCh37 (hg19) VCF-style: chr12-56091278-T-A.
Other names: c.1474A>T, p.Ile492Phe (NM_001144996.2, NM_001414029.1); c.1183A>T, p.Ile395Phe (NM_001144997.2); c.1135A>T, p.Ile379Phe (NM_001367993.1); c.118A>T, p.Ile40Phe (NM_001367994.1); c.1462A>T, p.Ile488Phe (NM_001374465.1, NM_001414034.1); c.1594A>T, p.Ile532Phe (NM_001410977.1); c.1387A>T, p.Ile463Phe (NM_001414030.1); c.1375A>T, p.Ile459Phe (NM_001414031.1); and 4 more; short protein forms I375F, I492F, I379F, I395F, I463F, I532F, I40F, I427F.
Identifiers: ClinVar variation 1916903 (VCV001916903.6), dbSNP rs1270485732, ClinGen allele CA385189219.
Genomic context (GRCh38, chr12:55,697,494, plus strand): 5'-ACCCGATCCCACCTCACCAGACCGAGTGGCCGCCAGCACAGTTGGGCTGCTCCAGGTCGA[T>A]GCTTCGTGGAGCAATAGAGACCTCATGGGAGACATGGAGGATGGGTCTGGCCCTGGGATT-3'
Protein context (NP_002197.2, residues 478-498): SHEVSIAPRS[Ile488Phe]DLEQPNCAGG